The following is an entry in ClinVar:

ClinVar aggregate classification (germline): Uncertain significance (1 of 4 stars; one submission).

Conditions:
Inborn genetic diseases. Identifiers: MedGen C0950123, MeSH D030342.

Submission:

Ambry Genetics
Classification: Uncertain significance for Inborn genetic diseases. Last evaluated: 2025-01-14. Review status: criteria provided, single submitter. Criteria: Ambry Variant Classification Scheme 2023. Collection method: clinical testing. Allele origin: germline.
Comment: The p.T1170S variant (also known as c.3508A>T), located in coding exon 14 of the FANCM gene, results from an A to T substitution at nucleotide position 3508. The threonine at codon 1170 is replaced by serine, an amino acid with similar properties. This amino acid position is conserved. In addition, this alteration is predicted to be tolerated by in silico analysis. Based on the available evidence, the clinical significance of this variant remains unclear.

NM_020937.4(FANCM):c.3508A>T (p.Thr1170Ser)

Gene: FANCM (FA complementation group M; plus strand). Cytogenetic location: 14q21.2.
Variant type: single nucleotide variant.
Coding change: c.3508A>T on transcript NM_020937.4 (MANE Select); coding-DNA position 3508, A replaced by T.
Protein change: p.Thr1170Ser; replaces threonine 1170 with serine.
Molecular consequence: missense variant.
Genome position (GRCh38, 1-based): chr14:45,176,262, A>T. VCF-style: chr14-45176262-A-T. GRCh37 (hg19) VCF-style: chr14-45645465-A-T.
Other names: c.3430A>T, p.Thr1144Ser (NM_001308133.2); short protein forms T1144S, T1170S.
Identifiers: ClinVar variation 3848622 (VCV003848622.1).